The following is an entry in ClinVar:

ClinVar aggregate classification (germline): Uncertain significance (1 of 4 stars; one submission).

Submission:

Labcorp Genetics (formerly Invitae), Labcorp
Classification: Uncertain significance. Last evaluated: 2022-02-09. Review status: criteria provided, single submitter. Criteria: Invitae Variant Classification Sherloc (09022015). Collection method: clinical testing. Allele origin: germline.
Comment: Algorithms developed to predict the effect of missense changes on protein structure and function output the following: SIFT: "Tolerated"; PolyPhen-2: "Benign"; Align-GVGD: "Class C0". The glycine amino acid residue is found in multiple mammalian species, which suggests that this missense change does not adversely affect protein function. This variant is not present in population databases (gnomAD no frequency). This variant has not been reported in the literature in individuals affected with PNPLA8-related conditions. In summary, the available evidence is currently insufficient to determine the role of this variant in disease. Therefore, it has been classified as a Variant of Uncertain Significance. This sequence change replaces serine, which is neutral and polar, with glycine, which is neutral and non-polar, at codon 526 of the PNPLA8 protein (p.Ser526Gly).

NM_001256007.3(PNPLA8):c.1576A>G (p.Ser526Gly)

Gene: PNPLA8 (patatin like domain 8, phospholipase A2; minus strand). Cytogenetic location: 7q31.1.
Variant type: single nucleotide variant.
Coding change: c.1576A>G on transcript NM_001256007.3 (MANE Select); coding-DNA position 1576, A replaced by G.
Protein change: p.Ser526Gly; replaces serine 526 with glycine.
Molecular consequence: missense variant.
Genome position (GRCh38, 1-based): chr7:108,496,633, T>C on the plus strand (A>G on the coding strand, the complement: PNPLA8 is on the minus strand). VCF-style: chr7-108496633-T-C. GRCh37 (hg19) VCF-style: chr7-108137077-T-C.
Other names: c.1576A>G, p.Ser526Gly (NM_001256008.3, NM_001256009.3, NM_015723.5); c.1276A>G, p.Ser426Gly (NM_001256010.3, NM_001256011.3); short protein forms S526G, S426G.
Identifiers: ClinVar variation 2091775 (VCV002091775.4), dbSNP rs2552113985, ClinGen allele CA368895968.